The following is an entry in ClinVar:

NM_001164277.2(SLC37A4):c.494G>A (p.Trp165Ter)

Gene: SLC37A4 (solute carrier family 37 member 4; minus strand). Cytogenetic location: 11q23.3.
Variant type: single nucleotide variant.
Coding change: c.494G>A on transcript NM_001164277.2 (MANE Select); coding-DNA position 494, G replaced by A.
Protein change: p.Trp165Ter; replaces tryptophan 165 with a stop codon.
Molecular consequence: nonsense.
Genome position (GRCh38, 1-based): chr11:119,027,760, C>T on the plus strand (G>A on the coding strand, the complement: SLC37A4 is on the minus strand). VCF-style: chr11-119027760-C-T. GRCh37 (hg19) VCF-style: chr11-118898470-C-T.
Other names: c.494G>A, p.Trp165Ter (NM_001164278.2, NM_001164280.2, NM_001467.6); c.275G>A, p.Trp92Ter (NM_001164279.2); short protein forms W165*, W92*.
Identifiers: ClinVar variation 1076732 (VCV001076732.7), dbSNP rs1943618079, ClinGen allele CA382902906.

ClinVar aggregate classification (germline): Pathogenic (1 of 4 stars; one submission).

Conditions:
Glucose-6-phosphate transport defect (GSD1B). Also called: GSD Ib; Glycogen Storage Disease Type Ib. Identifiers: Orphanet 364, Orphanet 79259, MedGen C0268146, MONDO:0009288, OMIM 232220.

Allele frequency attached by ClinVar (database versions not stated): TOPMed below 0.00001.

Submission:

Labcorp Genetics (formerly Invitae), Labcorp
Classification: Pathogenic for Glucose-6-phosphate transport defect. Last evaluated: 2020-10-01. Review status: criteria provided, single submitter. Criteria: Invitae Variant Classification Sherloc (09022015). Collection method: clinical testing. Allele origin: germline.
Comment: For these reasons, this variant has been classified as Pathogenic. Loss-of-function variants in SLC37A4 are known to be pathogenic (PMID: 9758626, 10940311). This variant has not been reported in the literature in individuals with SLC37A4-related conditions. This variant is not present in population databases (ExAC no frequency). This sequence change creates a premature translational stop signal (p.Trp165*) in the SLC37A4 gene. It is expected to result in an absent or disrupted protein product.

Literature cited by the submitters: PubMed 9758626; PubMed 10940311.